The following is an entry in ClinVar:

ClinVar aggregate classification (germline): Uncertain significance (1 of 4 stars; one submission).

Conditions:
Dystonic disorder. Also called: Dystonia. Identifiers: MedGen C0013421, MONDO:0003441, HP:0001332.

Allele frequency attached by ClinVar (database versions not stated): gnomAD exomes 0.00001; ExAC 0.00002.
gnomAD v4.1: 24 of 1,614,044 alleles (0.0015%); highest among the groups gnomAD compares: Non-Finnish European, 0.0017%; no homozygotes.

Submission:

Labcorp Genetics (formerly Invitae), Labcorp
Classification: Uncertain significance for Dystonic disorder. Last evaluated: 2023-01-25. Review status: criteria provided, single submitter. Criteria: Invitae Variant Classification Sherloc (09022015). Collection method: clinical testing. Allele origin: germline.
Comment: In summary, the available evidence is currently insufficient to determine the role of this variant in disease. Therefore, it has been classified as a Variant of Uncertain Significance. Algorithms developed to predict the effect of missense changes on protein structure and function (SIFT, PolyPhen-2, Align-GVGD) all suggest that this variant is likely to be tolerated. This variant has not been reported in the literature in individuals affected with DRD2-related conditions. This variant is present in population databases (rs527942874, gnomAD 0.003%). This sequence change replaces alanine, which is neutral and non-polar, with threonine, which is neutral and polar, at codon 323 of the DRD2 protein (p.Ala323Thr).

NM_000795.4(DRD2):c.967G>A (p.Ala323Thr)

Gene: DRD2 (dopamine receptor D2; minus strand). Cytogenetic location: 11q23.2.
Variant type: single nucleotide variant.
Coding change: c.967G>A on transcript NM_000795.4 (MANE Select); coding-DNA position 967, G replaced by A.
Protein change: p.Ala323Thr; replaces alanine 323 with threonine.
Molecular consequence: missense variant.
Genome position (GRCh38, 1-based): chr11:113,412,727, C>T on the plus strand (G>A on the coding strand, the complement: DRD2 is on the minus strand). VCF-style: chr11-113412727-C-T. GRCh37 (hg19) VCF-style: chr11-113283449-C-T.
Other names: c.880G>A, p.Ala294Thr (NM_016574.4); short protein forms A323T, A294T.
Identifiers: ClinVar variation 2908814 (VCV002908814.3), dbSNP rs527942874, ClinGen allele CA6281215.